The following is an entry in ClinVar:

ClinVar aggregate classification (germline): Uncertain significance (1 of 4 stars; one submission).

Conditions:
Cardiovascular phenotype. Identifiers: MedGen CN230736.

gnomAD v4.1: 2 of 1,614,140 alleles (0.00012%); highest among the groups gnomAD compares: East Asian, 0.0045%; no homozygotes.

Submission:

Ambry Genetics
Classification: Uncertain significance for Cardiovascular phenotype. Last evaluated: 2026-05-17. Review status: criteria provided, single submitter. Criteria: Ambry Variant Classification Scheme 2023. Collection method: clinical testing. Allele origin: germline.
Comment: The p.M636I variant (also known as c.1908G>A), located in coding exon 14 of the ABCA1 gene, results from a G to A substitution at nucleotide position 1908. The methionine at codon 636 is replaced by isoleucine, an amino acid with highly similar properties. This amino acid position is conserved. In addition, this alteration is predicted to be deleterious by in silico analysis. Based on the available evidence, the clinical significance of this variant remains unclear.

NM_005502.4(ABCA1):c.1908G>A (p.Met636Ile)

Gene: ABCA1 (ATP binding cassette subfamily A member 1; minus strand). Cytogenetic location: 9q31.1.
Variant type: single nucleotide variant.
Coding change: c.1908G>A on transcript NM_005502.4 (MANE Select); coding-DNA position 1908, G replaced by A.
Protein change: p.Met636Ile; replaces methionine 636 with isoleucine.
Molecular consequence: missense variant.
Genome position (GRCh38, 1-based): chr9:104,829,123, C>T on the plus strand (G>A on the coding strand, the complement: ABCA1 is on the minus strand). VCF-style: chr9-104829123-C-T. GRCh37 (hg19) VCF-style: chr9-107591404-C-T.
Other names: short protein forms M636I.
Identifiers: ClinVar variation 4868752 (VCV004868752.1).
Genomic context (GRCh38, chr9:104,829,123, plus strand): 5'-GATGATCACAGCCACTGAGTAAATCCAGGCCAGCGTCATGAAGAGGGGCATTGACCGGCT[C>T]ATCACCCGCAGAAAGCTGGAGGCCCCAAGGAAGGACAAGGGGAGAAAGAAAGACACACGT-3'
Protein context (NP_005493.2, residues 626-646): CYVDDIFLRV[Met636Ile]SRSMPLFMTL